The following is an entry in ClinVar:

ClinVar aggregate classification (germline): Benign. Review status: criteria provided, multiple submitters, no conflicts (2 of 4 stars). 10 submissions from 10 submitters: Benign (8). 2 of the submissions do not count toward it. Last evaluated 2026-02-03.

Conditions:
Autosomal dominant nonsyndromic hearing loss 2A. Also called: Autosomal dominant nonsyndromic deafness 2A; DFNA2 Nonsyndromic Hearing Loss; Deafness, autosomal dominant 2A. Identifiers: Orphanet 90635, MedGen C2677637, MONDO:0010817, OMIM 600101.

Allele frequency attached by ClinVar (database versions not stated): 1000 Genomes Project 0.01198; 1000 Genomes Project 30x 0.01234; TOPMed 0.02911; ESP Exome Variant Server 0.03076; gnomAD 0.03837.
gnomAD v4.1: 59,087 of 1,613,944 alleles (3.7%); highest among the groups gnomAD compares: Non-Finnish European, 4.2%; 1,233 homozygotes.

Submissions (10):

Labcorp Genetics (formerly Invitae), Labcorp
Classification: Benign. Last evaluated: 2026-02-03. Review status: criteria provided, single submitter. Criteria: Invitae Variant Classification Sherloc (09022015). Collection method: clinical testing. Allele origin: germline.

Genome-Nilou Lab
Classification: Benign for Autosomal dominant nonsyndromic hearing loss 2A. Last evaluated: 2023-04-11. Review status: criteria provided, single submitter. Criteria: ACMG Guidelines, 2015. Collection method: clinical testing. Allele origin: germline. Affected: no.

Mayo Clinic Laboratories, Mayo Clinic
Classification: Benign. Last evaluated: 2019-05-17. Review status: criteria provided, single submitter. Criteria: ACMG Guidelines, 2015. Collection method: clinical testing. Allele origin: germline. Observed: 11 variant alleles.

Athena Diagnostics
Classification: Benign. Last evaluated: 2018-11-09. Review status: criteria provided, single submitter. Criteria: Athena Diagnostics Criteria. Collection method: clinical testing. Allele origin: germline.

GeneDx
Classification: Benign. Last evaluated: 2017-09-08. Review status: criteria provided, single submitter. Criteria: GeneDx Variant Classification (06012015). Collection method: clinical testing. Allele origin: germline. Affected: yes.
Comment: This variant is considered likely benign or benign based on one or more of the following criteria: it is a conservative change, it occurs at a poorly conserved position in the protein, it is predicted to be benign by multiple in silico algorithms, and/or has population frequency not consistent with disease.

Laboratory for Molecular Medicine, Mass General Brigham Personalized Medicine
Classification: Benign. Last evaluated: 2012-05-07. Review status: criteria provided, single submitter. Criteria: LMM Criteria. Collection method: clinical testing. Allele origin: germline. Observed: 97 variant alleles.
Comment: "Pro555Pro in Exon 12 of KCNQ4: This variant is not expected to have clinical si gnificance because it does not alter an amino acid residue, is not located withi n the splice consensus sequence, and has been identified in 3.9% (276/7020) of E uropean American chromosomes from a broad population by the NHLBI Exome Sequenci ng Project (dbSNP rs55964611)."

Breakthrough Genomics
Classification: Benign. Review status: criteria provided, single submitter. Criteria: ACMG Guidelines, 2015. Collection method: not provided. Allele origin: germline. Inheritance: Autosomal dominant inheritance. Affected: yes.

PreventionGenetics, part of Exact Sciences
Classification: Benign. Review status: criteria provided, single submitter. Criteria: ACMG Guidelines, 2015. Collection method: clinical testing. Allele origin: germline.

Clinical Genetics DNA and cytogenetics Diagnostics Lab, Erasmus MC, Erasmus Medical Center
Classification: Benign. Review status: no assertion criteria provided. Collection method: clinical testing. Allele origin: germline. Affected: yes. Study: VKGL Data-share Consensus. Not counted in ClinVar's aggregate classification.

Joint Genome Diagnostic Labs from Nijmegen and Maastricht, Radboudumc and MUMC+
Classification: Benign. Review status: no assertion criteria provided. Collection method: clinical testing. Allele origin: germline. Affected: yes. Study: VKGL Data-share Consensus. Not counted in ClinVar's aggregate classification.

Literature cited by the submitters: PubMed 10571947 (cited by Athena Diagnostics).

NM_004700.4(KCNQ4):c.1665G>A (p.Pro555=)

Gene: KCNQ4 (potassium voltage-gated channel subfamily Q member 4; plus strand). Cytogenetic location: 1p34.2.
Variant type: single nucleotide variant.
Coding change: c.1665G>A on transcript NM_004700.4 (MANE Select); coding-DNA position 1665, G replaced by A.
Protein change: p.Pro555=; no amino-acid change (proline 555 retained).
Molecular consequence: synonymous variant.
Genome position (GRCh38, 1-based): chr1:40,835,018, G>A. VCF-style: chr1-40835018-G-A. GRCh37 (hg19) VCF-style: chr1-41300690-G-A.
Other names: p.Pro555=; c.1503G>A, p.Pro501= (NM_172163.3).
Identifiers: ClinVar variation 45103 (VCV000045103.18), dbSNP rs55964611, ClinGen allele CA135532.
Genomic context (GRCh38, chr1:40,835,018, plus strand): 5'-CCCCAACAGGATTCTCAAGTTCCTGGTGGCCAAAAGGAAATTCAAGGAGACACTGCGACC[G>A]TACGACGTGAAGGACGTCATTGAGCAGTACTCAGCAGGCCACCTGGACATGCTGGGCCGG-3'
Protein context (NP_004691.2, residues 545-565): AKRKFKETLR[Pro555=]YDVKDVIEQY